The following is an entry in ClinVar:

NM_013275.6(ANKRD11):c.5872C>A (p.Leu1958Ile)

Gene: ANKRD11 (ankyrin repeat domain 11; minus strand). Cytogenetic location: 16q24.3.
Variant type: single nucleotide variant.
Coding change: c.5872C>A on transcript NM_013275.6 (MANE Select); coding-DNA position 5872, C replaced by A.
Protein change: p.Leu1958Ile; replaces leucine 1958 with isoleucine.
Molecular consequence: missense variant.
Genome position (GRCh38, 1-based): chr16:89,280,670, G>T on the plus strand (C>A on the coding strand, the complement: ANKRD11 is on the minus strand). VCF-style: chr16-89280670-G-T. GRCh37 (hg19) VCF-style: chr16-89347078-G-T.
Other names: c.5872C>A, p.Leu1958Ile (NM_001256182.2, NM_001256183.2); short protein forms L1958I.
Identifiers: ClinVar variation 2995123 (VCV002995123.3), dbSNP rs377249565, ClinGen allele CA8241691.
Genomic context (GRCh38, chr16:89,280,670, plus strand): 5'-CCGAGCCCACAGGCCAGCTCACAGGGTTTTCAGAGGTGCCCCCGATCAGGCTAGAGGCAA[G>T]CGCCTGCTCGGAGGGGTGGGCCCACTCAACGGGCTCCTCGGTGATGACGGCGCTGAAGGG-3'
Protein context (NP_037407.4, residues 1948-1968): VEWAHPSEQA[Leu1958Ile]ASSLIGGTSE

ClinVar aggregate classification (germline): Uncertain significance (1 of 4 stars; one submission).

Conditions:
KBG syndrome (KBGS). Also called: ANKRD11-Related KBG Syndrome. Identifiers: Orphanet 2332, MedGen C0220687, MONDO:0007846, OMIM 148050.

Allele frequency attached by ClinVar (database versions not stated): ExAC 0.00003; TOPMed 0.00006; ESP Exome Variant Server 0.00008; gnomAD 0.00008; 1000 Genomes Project 30x 0.00016.
gnomAD v4.1: 17 of 1,613,430 alleles (0.0011%); highest among the groups gnomAD compares: African/African-American, 0.023%; no homozygotes.

Submission:

Labcorp Genetics (formerly Invitae), Labcorp
Classification: Uncertain significance for KBG syndrome. Last evaluated: 2024-09-05. Review status: criteria provided, single submitter. Criteria: Invitae Variant Classification Sherloc (09022015). Collection method: clinical testing. Allele origin: germline.
Comment: This sequence change replaces leucine, which is neutral and non-polar, with isoleucine, which is neutral and non-polar, at codon 1958 of the ANKRD11 protein (p.Leu1958Ile). This variant is present in population databases (rs377249565, gnomAD 0.02%). This variant has not been reported in the literature in individuals affected with ANKRD11-related conditions. Invitae Evidence Modeling of protein sequence and biophysical properties (such as structural, functional, and spatial information, amino acid conservation, physicochemical variation, residue mobility, and thermodynamic stability) indicates that this missense variant is not expected to disrupt ANKRD11 protein function with a negative predictive value of 95%. In summary, the available evidence is currently insufficient to determine the role of this variant in disease. Therefore, it has been classified as a Variant of Uncertain Significance.